The following is an entry in ClinVar:

ClinVar aggregate classification (germline): Uncertain significance (1 of 4 stars; one submission).

Conditions:
Ullrich congenital muscular dystrophy 2 (UCMD2). Identifiers: Orphanet 75840, MedGen C4225314, MONDO:0014654, OMIM 616470.
Bethlem myopathy 2 (BTHLM2). Identifiers: Orphanet 536516, Orphanet 610, MedGen C4225313, MONDO:0034022, OMIM 616471.

Submission:

Labcorp Genetics (formerly Invitae), Labcorp
Classification: Uncertain significance for Bethlem myopathy 2; Ullrich congenital muscular dystrophy 2. Last evaluated: 2024-11-27. Review status: criteria provided, single submitter. Criteria: Invitae Variant Classification Sherloc (09022015). Collection method: clinical testing. Allele origin: germline.
Comment: This sequence change replaces proline, which is neutral and non-polar, with serine, which is neutral and polar, at codon 7 of the COL12A1 protein (p.Pro7Ser). This variant is not present in population databases (gnomAD no frequency). This variant has not been reported in the literature in individuals affected with COL12A1-related conditions. An algorithm developed to predict the effect of missense changes on protein structure and function outputs the following: PolyPhen-2: "Benign". The serine amino acid residue is found in multiple mammalian species, which suggests that this missense change does not adversely affect protein function. In summary, the available evidence is currently insufficient to determine the role of this variant in disease. Therefore, it has been classified as a Variant of Uncertain Significance.

NM_004370.6(COL12A1):c.19C>T (p.Pro7Ser)

Gene: COL12A1 (collagen type XII alpha 1 chain; minus strand). Cytogenetic location: 6q14.1.
Variant type: single nucleotide variant.
Coding change: c.19C>T on transcript NM_004370.6 (MANE Select); coding-DNA position 19, C replaced by T.
Protein change: p.Pro7Ser; replaces proline 7 with serine.
Molecular consequence: missense variant.
Genome position (GRCh38, 1-based): chr6:75,202,774, G>A on the plus strand (C>T on the coding strand, the complement: COL12A1 is on the minus strand). VCF-style: chr6-75202774-G-A. GRCh37 (hg19) VCF-style: chr6-75912490-G-A.
Other names: c.19C>T, p.Pro7Ser (NM_001424113.1, NM_001424114.1, NM_001424115.1 and 2 more transcripts); short protein forms P7S.
Identifiers: ClinVar variation 3752784 (VCV003752784.2).
Genomic context (GRCh38, chr6:75,202,774, plus strand): 5'-TTTTACCTTCTGCCTCAATGGAAGACAGGAGCAGGGCCGCGCCCAGGGCGGCAAGCGCTG[G>A]GGGAAGCCTACTCCGCATCCTTGGCCTCCGAGCTTACAGCGGCATGAAGAGATCTGCGGG-3'
Protein context (NP_004361.3, residues 1-17): MRSRLP[Pro7Ser]ALAALGAALL